The following is an entry in ClinVar:

NM_000057.4(BLM):c.1003C>G (p.Leu335Val)

Gene: BLM (BLM RecQ like helicase; plus strand). Cytogenetic location: 15q26.1.
Variant type: single nucleotide variant.
Coding change: c.1003C>G on transcript NM_000057.4 (MANE Select); coding-DNA position 1003, C replaced by G.
Protein change: p.Leu335Val; replaces leucine 335 with valine.
Molecular consequence: missense variant. On other transcripts: 5 prime UTR variant (1).
Genome position (GRCh38, 1-based): chr15:90,754,854, C>G. VCF-style: chr15-90754854-C-G. GRCh37 (hg19) VCF-style: chr15-91298084-C-G.
Other names: c.1003C>G, p.Leu335Val (NM_001287246.2, NM_001287247.2); c.-289C>G (NM_001287248.2); short protein forms L335V.
Identifiers: ClinVar variation 818238 (VCV000818238.19), dbSNP rs1265514490, ClinGen allele CA393842075.

ClinVar aggregate classification (germline): Uncertain significance. Review status: criteria provided, multiple submitters, no conflicts (2 of 4 stars). 4 submissions from 4 submitters: Uncertain significance (3). 1 of the submissions does not count toward it. Last evaluated 2025-06-27.

Conditions:
Hereditary cancer-predisposing syndrome. Also called: Tumor predisposition; Hereditary neoplastic syndrome; Neoplastic Syndromes, Hereditary; Hereditary Cancer Syndrome. Identifiers: Orphanet 140162, MedGen C0027672, MeSH D009386, MONDO:0015356.
Bloom syndrome (BLM). Also called: Bloom-Torre-Machacek syndrome. Identifiers: Orphanet 125, MedGen C0005859, MONDO:0008876, OMIM 210900.

Allele frequency attached by ClinVar (database versions not stated): gnomAD exomes below 0.00001; TOPMed below 0.00001.
gnomAD v4.1: 1 of 1,613,846 alleles (0.000062%); highest among the groups gnomAD compares: Non-Finnish European, 0.000085%; no homozygotes.

Submissions (4):

Ambry Genetics
Classification: Uncertain significance for Hereditary cancer-predisposing syndrome. Last evaluated: 2025-06-27. Review status: criteria provided, single submitter. Criteria: Ambry Variant Classification Scheme 2023. Collection method: clinical testing. Allele origin: germline.
Comment: The p.L335V variant (also known as c.1003C>G), located in coding exon 4 of the BLM gene, results from a C to G substitution at nucleotide position 1003. The leucine at codon 335 is replaced by valine, an amino acid with highly similar properties. This amino acid position is not well conserved in available vertebrate species. In addition, this alteration is predicted to be tolerated by in silico analysis. Since supporting evidence is limited at this time, the clinical significance of this alteration remains unclear.

Labcorp Genetics (formerly Invitae), Labcorp
Classification: Uncertain significance for Bloom syndrome. Last evaluated: 2023-10-22. Review status: criteria provided, single submitter. Criteria: Invitae Variant Classification Sherloc (09022015). Collection method: clinical testing. Allele origin: germline.
Comment: This sequence change replaces leucine, which is neutral and non-polar, with valine, which is neutral and non-polar, at codon 335 of the BLM protein (p.Leu335Val). This variant is present in population databases (no rsID available, gnomAD 0.0009%). This variant has not been reported in the literature in individuals affected with BLM-related conditions. ClinVar contains an entry for this variant (Variation ID: 818238). An algorithm developed to predict the effect of missense changes on protein structure and function (PolyPhen-2) suggests that this variant is likely to be tolerated. In summary, the available evidence is currently insufficient to determine the role of this variant in disease. Therefore, it has been classified as a Variant of Uncertain Significance.

GeneDx
Classification: Uncertain significance. Last evaluated: 2023-02-16. Review status: criteria provided, single submitter. Criteria: GeneDx Variant Classification Process June 2021. Collection method: clinical testing. Allele origin: germline. Affected: yes.
Comment: Not observed at significant frequency in large population cohorts (gnomAD); In silico analysis supports that this missense variant does not alter protein structure/function; Has not been previously published as pathogenic or benign to our knowledge

Natera, Inc.
Classification: Uncertain significance for Bloom syndrome. Last evaluated: 2020-07-23. Review status: no assertion criteria provided. Collection method: clinical testing. Allele origin: germline. Not counted in ClinVar's aggregate classification.